The following is an entry in ClinVar:

ClinVar aggregate classification (germline): Uncertain significance (1 of 4 stars; one submission).

Conditions:
Fanconi anemia (FA). Also called: Fanconi's anemia. Identifiers: Orphanet 84, MedGen C0015625, MeSH D005199, MONDO:0019391.

Allele frequency attached by ClinVar (database versions not stated): gnomAD exomes 0.00001; ExAC 0.00001.
gnomAD v4.1: 4 of 1,614,084 alleles (0.00025%); highest among the groups gnomAD compares: Admixed American, 0.0067%; no homozygotes.

Submission:

Labcorp Genetics (formerly Invitae), Labcorp
Classification: Uncertain significance for Fanconi anemia. Last evaluated: 2022-04-20. Review status: criteria provided, single submitter. Criteria: Invitae Variant Classification Sherloc (09022015). Collection method: clinical testing. Allele origin: germline.
Comment: In summary, the available evidence is currently insufficient to determine the role of this variant in disease. Therefore, it has been classified as a Variant of Uncertain Significance. Algorithms developed to predict the effect of sequence changes on RNA splicing suggest that this variant may disrupt the consensus splice site. This variant has not been reported in the literature in individuals affected with FANCI-related conditions. This variant is present in population databases (rs769927244, gnomAD 0.01%). This sequence change falls in intron 9 of the FANCI gene. It does not directly change the encoded amino acid sequence of the FANCI protein.

NM_001113378.2(FANCI):c.756-6T>C

Gene: FANCI (FA complementation group I; plus strand). Cytogenetic location: 15q26.1.
Variant type: single nucleotide variant.
Coding change: c.756-6T>C on transcript NM_001113378.2 (MANE Select); 6 bases into the intron before coding-DNA position 756, T replaced by C.
Molecular consequence: intron variant.
Genome position (GRCh38, 1-based): chr15:89,268,393, T>C. VCF-style: chr15-89268393-T-C. GRCh37 (hg19) VCF-style: chr15-89811624-T-C.
Other names: c.756-6T>C (NM_018193.3, NM_001376911.1); c.477-6T>C (NM_001376910.1).
Identifiers: ClinVar variation 2048569 (VCV002048569.4), dbSNP rs769927244, ClinGen allele CA7722763.
Genomic context (GRCh38, chr15:89,268,393, plus strand): 5'-AGTGCTGGCATTACAGGCATGAGCCACTGCACCTTATAGCTCATAACTTTCTGTTGAATC[T>C]TTTAGGCTATTGGATGTTGTCACTGTGCCATCAGGTGAACTTCGTCATGTGGAAGGCACC-3'